The following is an entry in ClinVar:

ClinVar aggregate classification (germline): Pathogenic (1 of 4 stars; one submission).

Conditions:
Gastrointestinal stromal tumor. Also called: Gastrointestinal stromal tumor, somatic; Gastrointestinal stroma tumor. Identifiers: Orphanet 44890, MedGen C0238198, MeSH D046152, MONDO:0011719, OMIM 606764, HP:0100723.

Submission:

Labcorp Genetics (formerly Invitae), Labcorp
Classification: Pathogenic for Gastrointestinal stromal tumor. Last evaluated: 2024-10-16. Review status: criteria provided, single submitter. Criteria: Invitae Variant Classification Sherloc (09022015). Collection method: clinical testing. Allele origin: germline.
Comment: This sequence change creates a premature translational stop signal (p.Lys735Asnfs*10) in the KIT gene. It is expected to result in an absent or disrupted protein product. Loss-of-function variants in KIT are known to be pathogenic (PMID: 15194144). This variant is not present in population databases (gnomAD no frequency). This variant has not been reported in the literature in individuals affected with KIT-related conditions. For these reasons, this variant has been classified as Pathogenic.

Literature cited by the submitters: PubMed 15194144.

NM_000222.3(KIT):c.2204_2205insCATAA (p.Lys735fs)

Gene: KIT (KIT proto-oncogene, receptor tyrosine kinase; plus strand). Cytogenetic location: 4q12.
Variant type: Insertion.
Coding change: c.2204_2205insCATAA on transcript NM_000222.3 (MANE Select); coding-DNA positions 2204 to 2205, CATAA inserted.
Protein change: p.Lys735fs; shifts the reading frame from lysine 735.
Molecular consequence: frameshift variant.
Genome position: GRCh38 VCF-style: chr4-54731388-C-CAACAT. GRCh37 (hg19) VCF-style: chr4-55597554-C-CAACAT.
Other names: c.2192_2193insCATAA, p.Lys731fs (NM_001093772.2, NM_001385292.1); c.2207_2208insCATAA, p.Lys736fs (NM_001385284.1); c.2201_2202insCATAA, p.Lys734fs (NM_001385285.1); c.2189_2190insCATAA, p.Lys730fs (NM_001385286.1); c.2195_2196insCATAA, p.Lys732fs (NM_001385288.1); c.2204_2205insCATAA, p.Lys735fs (NM_001385290.1); short protein forms K730fs, K732fs, K735fs, K731fs, K734fs, K736fs.
Identifiers: ClinVar variation 3723088 (VCV003723088.2).